The following is an entry in ClinVar:

NM_006734.4(HIVEP2):c.2202G>A (p.Met734Ile)

Gene: HIVEP2 (HIVEP zinc finger 2; minus strand). Cytogenetic location: 6q24.2.
Variant type: single nucleotide variant.
Coding change: c.2202G>A on transcript NM_006734.4 (MANE Select); coding-DNA position 2202, G replaced by A.
Protein change: p.Met734Ile; replaces methionine 734 with isoleucine.
Molecular consequence: missense variant.
Genome position (GRCh38, 1-based): chr6:142,772,537, C>T on the plus strand (G>A on the coding strand, the complement: HIVEP2 is on the minus strand). VCF-style: chr6-142772537-C-T. GRCh37 (hg19) VCF-style: chr6-143093674-C-T.
Other names: short protein forms M734I.
Identifiers: ClinVar variation 1722420 (VCV001722420.1), dbSNP rs2482841226, ClinGen allele CA365910845.

ClinVar aggregate classification (germline): Uncertain significance (1 of 4 stars; one submission).

gnomAD v4.1: 1 of 1,614,152 alleles (0.000062%); no homozygotes.

Submission:

Women's Health and Genetics/Laboratory Corporation of America, LabCorp
Classification: Uncertain significance. Last evaluated: 2022-09-01. Review status: criteria provided, single submitter. Criteria: LabCorp Variant Classification Summary - May 2015. Collection method: clinical testing. Allele origin: germline.
Comment: Variant summary: HIVEP2 c.2202G>A (p.Met734Ile) results in a conservative amino acid change in the encoded protein sequence. Five of five in-silico tools predict a benign effect of the variant on protein function. The variant was absent in 249496 control chromosomes (gnomAD). The available data on variant occurrences in the general population are insufficient to allow any conclusion about variant significance. To our knowledge, no occurrence of c.2202G>A in individuals affected with Intellectual Disability, Autosomal Dominant 43 and no experimental evidence demonstrating its impact on protein function have been reported. No clinical diagnostic laboratories have submitted clinical-significance assessments for this variant to ClinVar after 2014. Based on the evidence outlined above, the variant was classified as uncertain significance.